The following is an entry in ClinVar:

ClinVar aggregate classification (germline): Conflicting classifications of pathogenicity. Review status: criteria provided, conflicting classifications (1 of 4 stars). 3 submissions from 3 submitters: Uncertain significance (2); Likely benign (1). Last evaluated 2025-11-22.

Conditions:
Inborn genetic diseases. Identifiers: MedGen C0950123, MeSH D030342.
Axenfeld-Rieger syndrome type 3 (RIEG3). Also called: AXENFELD-RIEGER ANOMALY WITH CARDIAC DEFECTS AND/OR SENSORINEURAL HEARING LOSS. Identifiers: Orphanet 782, MedGen C2678503, MONDO:0011233, OMIM 602482.
Anterior segment dysgenesis 3 (ASGD3). Also called: Glaucoma iridogoniodysplasia, familial; IRIDOGONIODYSGENESIS ANOMALY, AUTOSOMAL DOMINANT. Identifiers: Orphanet 91483, MedGen C5975707, MONDO:0024456, OMIM 601631.

Allele frequency attached by ClinVar (database versions not stated): gnomAD 0.00002 and 0.00003; gnomAD exomes 0.00002; TOPMed 0.00004; ExAC 0.00005.
gnomAD v4.1: 42 of 1,613,076 alleles (0.0026%); highest among the groups gnomAD compares: East Asian, 0.018%; no homozygotes.

Submissions (3):

Labcorp Genetics (formerly Invitae), Labcorp
Classification: Uncertain significance for Axenfeld-Rieger syndrome type 3. Last evaluated: 2025-11-22. Review status: criteria provided, single submitter. Criteria: Invitae Variant Classification Sherloc (09022015). Collection method: clinical testing. Allele origin: germline.
Comment: This sequence change replaces aspartic acid, which is acidic and polar, with histidine, which is basic and polar, at codon 178 of the FOXC1 protein (p.Asp178His). This variant is present in population databases (rs751970827, gnomAD 0.03%). This variant has not been reported in the literature in individuals affected with FOXC1-related conditions. This missense change has been observed in at least one individual who was not affected with FOXC1-related conditions (internal data). ClinVar contains an entry for this variant (Variation ID: 469653). An algorithm developed to predict the effect of missense changes on protein structure and function (PolyPhen-2) suggests that this variant is likely to be disruptive. In summary, the available evidence is currently insufficient to determine the role of this variant in disease. Therefore, it has been classified as a Variant of Uncertain Significance.

Fulgent Genetics
Classification: Likely benign for Anterior segment dysgenesis 3; Axenfeld-Rieger syndrome type 3. Last evaluated: 2024-05-06. Review status: criteria provided, single submitter. Criteria: ACMG Guidelines, 2015. Collection method: clinical testing. Allele origin: germline.

Ambry Genetics
Classification: Uncertain significance for Inborn genetic diseases. Last evaluated: 2021-07-26. Review status: criteria provided, single submitter. Criteria: Ambry Variant Classification Scheme 2023. Collection method: clinical testing. Allele origin: germline.

NM_001453.3(FOXC1):c.532G>C (p.Asp178His)

Gene: FOXC1 (forkhead box C1; plus strand). Cytogenetic location: 6p25.3.
Variant type: single nucleotide variant.
Coding change: c.532G>C on transcript NM_001453.3 (MANE Select); coding-DNA position 532, G replaced by C.
Protein change: p.Asp178His; replaces aspartic acid 178 with histidine.
Molecular consequence: missense variant.
Genome position (GRCh38, 1-based): chr6:1,610,977, G>C. VCF-style: chr6-1610977-G-C. GRCh37 (hg19) VCF-style: chr6-1611212-G-C.
Other names: short protein forms D178H.
Identifiers: ClinVar variation 469653 (VCV000469653.10), dbSNP rs751970827, ClinGen allele CA3614768.